The following is an entry in ClinVar:

ClinVar aggregate classification (germline): Conflicting classifications of pathogenicity. Review status: criteria provided, conflicting classifications (1 of 4 stars). 2 submissions from 2 submitters: Uncertain significance (1); Likely benign (1). Last evaluated 2025-03-31.

Conditions:
Immunodeficiency 28 (IMD28). Also called: IFNGR2 DEFICIENCY. Identifiers: Orphanet 319547, Orphanet 319574, MedGen C4013947, MONDO:0013953, OMIM 614889.

Allele frequency attached by ClinVar (database versions not stated): gnomAD exomes 0.00001 and 0.00005; ExAC 0.00002; gnomAD 0.00003; TOPMed 0.00003; 1000 Genomes Project 30x 0.00016; 1000 Genomes Project 0.00020.

Submissions (2):

Labcorp Genetics (formerly Invitae), Labcorp
Classification: Uncertain significance for Immunodeficiency 28. Last evaluated: 2025-03-31. Review status: criteria provided, single submitter. Criteria: Invitae Variant Classification Sherloc (09022015). Collection method: clinical testing. Allele origin: germline.
Comment: This sequence change replaces arginine, which is basic and polar, with cysteine, which is neutral and slightly polar, at codon 39 of the IFNGR2 protein (p.Arg39Cys). This variant is present in population databases (rs572786148, gnomAD 0.07%). This variant has not been reported in the literature in individuals affected with IFNGR2-related conditions. ClinVar contains an entry for this variant (Variation ID: 665306). Invitae Evidence Modeling of protein sequence and biophysical properties (such as structural, functional, and spatial information, amino acid conservation, physicochemical variation, residue mobility, and thermodynamic stability) indicates that this missense variant is expected to disrupt IFNGR2 protein function with a positive predictive value of 80%. In summary, the available evidence is currently insufficient to determine the role of this variant in disease. Therefore, it has been classified as a Variant of Uncertain Significance.

CeGaT Center for Human Genetics Tuebingen
Classification: Likely benign. Last evaluated: 2022-08-01. Review status: criteria provided, single submitter. Criteria: CeGaT Center For Human Genetics Tuebingen Variant Classification Criteria Version 2. Collection method: clinical testing. Allele origin: germline. Affected: yes. Observed: 1 variant allele.
Comment: IFNGR2: BP4

NM_005534.4(IFNGR2):c.115C>T (p.Arg39Cys)

Gene: IFNGR2 (interferon gamma receptor 2; plus strand). Cytogenetic location: 21q22.11.
Variant type: single nucleotide variant.
Coding change: c.115C>T on transcript NM_005534.4 (MANE Select); coding-DNA position 115, C replaced by T.
Protein change: p.Arg39Cys; replaces arginine 39 with cysteine.
Molecular consequence: missense variant.
Genome position (GRCh38, 1-based): chr21:33,414,929, C>T. VCF-style: chr21-33414929-C-T. GRCh37 (hg19) VCF-style: chr21-34787236-C-T.
Other names: c.172C>T, p.Arg58Cys (NM_001329128.2); short protein forms R58C, R39C.
Identifiers: ClinVar variation 665306 (VCV000665306.29), dbSNP rs572786148, ClinGen allele CA10006865.